The following is an entry in ClinVar:

ClinVar aggregate classification (germline): Uncertain significance. Review status: criteria provided, multiple submitters, no conflicts (2 of 4 stars). 7 submissions from 7 submitters: Uncertain significance (7). Last evaluated 2026-02-09.

Conditions:
PCSK9-related disorder. Also called: PCSK9-related disorders; PCSK9-related condition.
Cardiovascular phenotype. Identifiers: MedGen CN230736.
Familial hypercholesterolemia. Also called: Familial hypercholesterolaemia; Familial hypercholesterolemias. Identifiers: MedGen C0020445, MONDO:0005439.
Hypercholesterolemia, autosomal dominant, 3 (FHCL3). Also called: PCSK9-Related Familial Hypercholesterolemia, Autosomal Dominant; Familial Hypercholesterolemia, Autosomal Dominant, 3; Familial hypercholesterolemia 3. Identifiers: MedGen C1863551, MONDO:0011369, OMIM 603776.

Allele frequency attached by ClinVar (database versions not stated): TOPMed 0.00011; ESP Exome Variant Server 0.00008.
gnomAD v4.1: 11 of 1,609,408 alleles (0.00068%); highest among the groups gnomAD compares: African/African-American, 0.012%; no homozygotes.

Submissions (7):

Women's Health and Genetics/Laboratory Corporation of America, LabCorp
Classification: Uncertain significance. Last evaluated: 2026-02-09. Review status: criteria provided, single submitter. Criteria: LabCorp Variant Classification Summary - May 2015. Collection method: clinical testing. Allele origin: germline.
Comment: Variant summary: PCSK9 c.1496G>T (p.Arg499Leu) results in a non-conservative amino acid change in the encoded protein sequence. Algorithms developed to predict the effect of missense changes on protein structure and function are either unavailable or do not agree on the potential impact of this missense change. The variant allele was found at a frequency of 1.6e-05 in 243578 control chromosomes (gnomAD). The available data on variant occurrences in the general population are insufficient to allow any conclusion about variant significance. c.1496G>T has been observed in individuals affected with low LDL cholesterol (Lange_2014). The reports do not provide unequivocal conclusions about association of the variant with Familial Hypercholesterolemia. To our knowledge, no experimental evidence demonstrating an impact on protein function has been reported. The following publication have been ascertained in the context of this evaluation (PMID: 24507775). ClinVar contains an entry for this variant (Variation ID: 921735). Based on the evidence outlined above, the variant was classified as uncertain significance.

Color Diagnostics, LLC DBA Color Health
Classification: Uncertain significance for Familial hypercholesterolemia. Last evaluated: 2025-06-10. Review status: criteria provided, single submitter. Criteria: ACMG Guidelines, 2015. Collection method: clinical testing. Allele origin: germline.
Comment: This missense variant replaces arginine with leucine at codon 499 of the PCSK9 protein. Computational prediction suggests that this variant may not impact protein structure and function. To our knowledge, functional studies have not been reported for this variant. This variant has been reported in an individual with extremely low circulating LDL-C (PMID: 24507775). This variant has been identified in 4/243578 chromosomes in the general population by the Genome Aggregation Database (gnomAD). The available evidence is insufficient to determine the role of this variant in disease conclusively. Therefore, this variant is classified as a Variant of Uncertain Significance.

All of Us Research Program, National Institutes of Health
Classification: Uncertain significance for Hypercholesterolemia, autosomal dominant, 3. Last evaluated: 2023-12-01. Review status: criteria provided, single submitter. Criteria: ACMG Guidelines, 2015. Collection method: clinical testing. Allele origin: germline. Inheritance: Autosomal dominant inheritance. Observed: 1 variant allele, 1 heterozygote.
Comment: Variant of Uncertain Significance due to insufficient evidence: This missense variant is located in the C-terminal CM1 domain of the PCSK9 protein. Computational prediction tools and conservation analyses suggest that this variant may not impact the protein function. Computational splicing tools suggest that this variant may not impact RNA splicing. To our knowledge, functional assays have not been performed for this variant nor has this variant been reported in individuals affected with familial hypercholesterolemia in the literature. This variant has been identified in 3/239136 chromosomes in the general population by the Genome Aggregation Database (gnomAD). Available evidence is insufficient to determine the pathogenicity of this variant conclusively.

This study involves interpretation of variants in research participants for the purpose of population health screening. Participant phenotype was not available at the time of variant classification. Additional details can be found in publication PMID: 35346344, PMCID: PMC8962531

PreventionGenetics, part of Exact Sciences
Classification: Uncertain significance for PCSK9-related condition. Last evaluated: 2023-05-30. Review status: criteria provided, single submitter. Criteria: ACMG Guidelines, 2015. Collection method: clinical testing. Allele origin: germline.
Comment: The PCSK9 c.1496G>T variant is predicted to result in the amino acid substitution p.Arg499Leu. This variant has been documented in an individual with extremely low LDL cholesterol (LDL-C) (Lange et al. 2014. PubMed ID: 24507775). This variant is reported in 0.013% of alleles in individuals of African descent in gnomAD. A different missense variant affecting the same amino acid (p.Arg499His) has been reported to segregate with high LDL-C phenotype and familial hypercholesterolemia in at least one large family pedigree, and also has functional studies supporting its pathogenicity (Sánchez-Hernández et al. 2019. PubMed ID: 31518966; Di Taranto et al. 2021. PubMed ID: 34297352). At this time, the clinical significance of the p.Arg499Leu variant is uncertain due to the absence of conclusive functional and genetic evidence.

Ambry Genetics
Classification: Uncertain significance for Cardiovascular phenotype. Last evaluated: 2023-01-25. Review status: criteria provided, single submitter. Criteria: Ambry Variant Classification Scheme 2023. Collection method: clinical testing. Allele origin: germline.
Comment: The p.R499L variant (also known as c.1496G>T), located in coding exon 9 of the PCSK9 gene, results from a G to T substitution at nucleotide position 1496. The arginine at codon 499 is replaced by leucine, an amino acid with dissimilar properties. This altertation has been reported in a low LDL-C cohort (Lange LA et al. Am J Hum Genet, 2014 Feb;94:233-45). This amino acid position is not well conserved in available vertebrate species. In addition, this alteration is predicted to be tolerated by in silico analysis. Since supporting evidence is limited at this time, the clinical significance of this alteration remains unclear.

Labcorp Genetics (formerly Invitae), Labcorp
Classification: Uncertain significance for Hypercholesterolemia, autosomal dominant, 3. Last evaluated: 2022-03-18. Review status: criteria provided, single submitter. Criteria: Invitae Variant Classification Sherloc (09022015). Collection method: clinical testing. Allele origin: germline.
Comment: In summary, the available evidence is currently insufficient to determine the role of this variant in disease. Therefore, it has been classified as a Variant of Uncertain Significance. Advanced modeling of protein sequence and biophysical properties (such as structural, functional, and spatial information, amino acid conservation, physicochemical variation, residue mobility, and thermodynamic stability) performed at Invitae indicates that this missense variant is not expected to disrupt PCSK9 protein function. ClinVar contains an entry for this variant (Variation ID: 921735). This missense change has been observed in individual(s) with low LDL cholesterol (PMID: 24507775). This variant is present in population databases (rs143394031, gnomAD 0.01%). This sequence change replaces arginine, which is basic and polar, with leucine, which is neutral and non-polar, at codon 499 of the PCSK9 protein (p.Arg499Leu).

Fulgent Genetics
Classification: Uncertain significance for Hypercholesterolemia, autosomal dominant, 3. Last evaluated: 2021-09-09. Review status: criteria provided, single submitter. Criteria: ACMG Guidelines, 2015. Collection method: clinical testing. Allele origin: unknown.

Literature cited by the submitters: PubMed 24507775 (cited by 4 submitters).

NM_174936.4(PCSK9):c.1496G>T (p.Arg499Leu)

Gene: PCSK9 (proprotein convertase subtilisin/kexin type 9; plus strand). Cytogenetic location: 1p32.3.
Variant type: single nucleotide variant.
Coding change: c.1496G>T on transcript NM_174936.4 (MANE Select); coding-DNA position 1496, G replaced by T.
Protein change: p.Arg499Leu; replaces arginine 499 with leucine.
Molecular consequence: missense variant.
Genome position (GRCh38, 1-based): chr1:55,058,640, G>T. VCF-style: chr1-55058640-G-T. GRCh37 (hg19) VCF-style: chr1-55524313-G-T.
Other names: c.1619G>T, p.Arg540Leu (NM_001407240.1); c.1496G>T, p.Arg499Leu (NM_001407241.1); c.1499G>T, p.Arg500Leu (NM_001407242.1); c.1439G>T, p.Arg480Leu (NM_001407243.1); c.1322G>T, p.Arg441Leu (NM_001407244.1); c.1304G>T, p.Arg435Leu (NM_001407245.1); c.1121G>T, p.Arg374Leu (NM_001407246.1); short protein forms R499L, R441L, R480L, R540L, R435L, R374L, R500L.
Identifiers: ClinVar variation 921735 (VCV000921735.18), dbSNP rs143394031, ClinGen allele CA037333.
Genomic context (GRCh38, chr1:55,058,640, plus strand): 5'-CAGATGAGGAGCTGCTGAGCTGCTCCAGTTTCTCCAGGAGTGGGAAGCGGCGGGGCGAGC[G>T]CATGGAGGTGACTGTACCCCTCCTTCGTGTGTGTGTGTGTGTGTGTGTGTGTGTGTGTGT-3'
Protein context (NP_777596.2, residues 489-509): FSRSGKRRGE[Arg499Leu]MEAQGGKLVC